The following is an entry in ClinVar:

NM_001312909.2(FAM111A):c.581G>A (p.Cys194Tyr)

Gene: FAM111A (FAM111 trypsin like peptidase A; plus strand). Cytogenetic location: 11q12.1.
Variant type: single nucleotide variant.
Coding change: c.581G>A on transcript NM_001312909.2 (MANE Select); coding-DNA position 581, G replaced by A.
Protein change: p.Cys194Tyr; replaces cysteine 194 with tyrosine.
Molecular consequence: missense variant.
Genome position (GRCh38, 1-based): chr11:59,152,249, G>A. VCF-style: chr11-59152249-G-A. GRCh37 (hg19) VCF-style: chr11-58919722-G-A.
Other names: c.581G>A, p.Cys194Tyr (NM_001142519.3, NM_001142520.3, NM_001142521.3 and 29 more transcripts); short protein forms C194Y.
Identifiers: ClinVar variation 4744106 (VCV004744106.1).

ClinVar aggregate classification (germline): Uncertain significance (1 of 4 stars; one submission).

Submission:

Labcorp Genetics (formerly Invitae), Labcorp
Classification: Uncertain significance. Last evaluated: 2025-12-24. Review status: criteria provided, single submitter. Criteria: Invitae Variant Classification Sherloc (09022015). Collection method: clinical testing. Allele origin: germline.
Comment: This sequence change replaces cysteine, which is neutral and slightly polar, with tyrosine, which is neutral and polar, at codon 194 of the FAM111A protein (p.Cys194Tyr). This variant is not present in population databases (gnomAD no frequency). This variant has not been reported in the literature in individuals affected with FAM111A-related conditions. Invitae Evidence Modeling of protein sequence and biophysical properties (such as structural, functional, and spatial information, amino acid conservation, physicochemical variation, residue mobility, and thermodynamic stability) indicates that this missense variant is not expected to disrupt FAM111A protein function with a negative predictive value of 80%. In summary, the available evidence is currently insufficient to determine the role of this variant in disease. Therefore, it has been classified as a Variant of Uncertain Significance.